The following is an entry in ClinVar:

ClinVar aggregate classification (germline): Benign. Review status: criteria provided, multiple submitters, no conflicts (2 of 4 stars). 6 submissions from 6 submitters: Benign (5). 1 of the submissions does not count toward it. Last evaluated 2024-11-28.

Conditions:
Hydatidiform mole, recurrent, 1 (HYDM1). Identifiers: Orphanet 254688, Orphanet 99927, MedGen C3463897, MONDO:0009273, OMIM 231090. Disease mechanism: loss of function.

Allele frequency attached by ClinVar (database versions not stated): ESP Exome Variant Server 0.54429; gnomAD 0.54861 and 0.55616; TOPMed 0.55371; ExAC 0.58190; 1000 Genomes Project 30x 0.58542; gnomAD exomes 0.58809; 1000 Genomes Project 0.59006.
gnomAD v4.1: 901,293 of 1,607,408 alleles (56%); highest among the groups gnomAD compares: East Asian, 72%; 254,815 homozygotes.

Submissions (6):

Blueprint Genetics
Classification: Benign. Last evaluated: 2024-11-28. Review status: criteria provided, single submitter. Criteria: ACMG Guidelines, 2015. Collection method: clinical testing. Allele origin: germline.

Illumina Laboratory Services, Illumina
Classification: Benign for Hydatidiform mole, recurrent, 1. Last evaluated: 2018-01-12. Review status: criteria provided, single submitter. Criteria: ICSL Variant Classification Criteria 13 December 2019. Collection method: clinical testing. Allele origin: germline.
Comment: This variant was observed in the ICSL laboratory as part of a predisposition screen in an ostensibly healthy population. It had not been previously curated by ICSL or reported in the Human Gene Mutation Database (HGMD: prior to June 1st, 2018), and was therefore a candidate for classification through an automated scoring system. Utilizing variant allele frequency, disease prevalence and penetrance estimates, and inheritance mode, an automated score was calculated to assess if this variant is too frequent to cause the disease. Based on the score and internal cut-off values, a variant classified as benign is not then subjected to further curation. The score for this variant resulted in a classification of benign for this disease.

Laboratory for Molecular Medicine, Mass General Brigham Personalized Medicine
Classification: Benign. Last evaluated: 2016-03-28. Review status: criteria provided, single submitter. Criteria: LMM Criteria. Collection method: clinical testing. Allele origin: germline.
Comment: Variant identified in a genome or exome case(s) and assessed due to predicted null impact of the variant or pathogenic assertions in the literature or databases. Disclaimer: This variant has not undergone full assessment. The following are preliminary notes: Frequency

Genome Diagnostics Laboratory, University Medical Center Utrecht
Classification: Benign for Hydatidiform mole, recurrent, 1. Last evaluated: 2014-10-10. Review status: criteria provided, single submitter. Criteria: ACGS Guidelines, 2013. Collection method: clinical testing. Allele origin: germline. Affected: yes. Study: VKGL Data-share Consensus.

Breakthrough Genomics
Classification: Benign. Review status: criteria provided, single submitter. Criteria: ACMG Guidelines, 2015. Collection method: not provided. Allele origin: germline. Inheritance: Autosomal recessive inheritance. Affected: yes.

Diagnostic Laboratory, Department of Genetics, University Medical Center Groningen
Classification: Benign for Hydatidiform mole, recurrent, 1. Review status: no assertion criteria provided. Collection method: clinical testing. Allele origin: germline. Affected: yes. Study: VKGL Data-share Consensus. Not counted in ClinVar's aggregate classification.

NM_001127255.2(NLRP7):c.2775A>G (p.Ala925=)

Genes: NCR1 (natural cytotoxicity triggering receptor 1), NLRP7 (NLR family pyrin domain containing 7; minus strand). Cytogenetic location: 19q13.42.
Variant type: single nucleotide variant.
Coding change: c.2775A>G on transcript NM_001127255.2 (MANE Select); coding-DNA position 2775, A replaced by G.
Protein change: p.Ala925=; no amino-acid change (alanine 925 retained).
Molecular consequence: synonymous variant.
Genome position (GRCh38, 1-based): chr19:54,930,534, T>C on the plus strand (A>G on the coding strand, the complement: NLRP7 is on the minus strand). VCF-style: chr19-54930534-T-C. GRCh37 (hg19) VCF-style: chr19-55441902-T-C.
Other names: c.2775A>G, p.Ala925= (NM_001405531.1, NM_206828.4); c.2691A>G, p.Ala897= (NM_139176.4).
Identifiers: ClinVar variation 330156 (VCV000330156.12), dbSNP rs269950, ClinGen allele CA310008166.